The following is an entry in ClinVar:

NM_005869.4(CWC27):c.252+4del

Gene: CWC27 (CWC27 spliceosome associated cyclophilin; plus strand). Cytogenetic location: 5q12.3.
Variant type: Deletion.
Coding change: c.252+4del on transcript NM_005869.4 (MANE Select); 4 bases into the intron after coding-DNA position 252, one base deleted (A; older notation c.252+4delA).
Molecular consequence: intron variant.
Genome position (GRCh38, 1-based): chr5:64,782,037, A deleted; the last of 2 consecutive A bases (chr5:64,782,036-64,782,037); deleting either gives the same sequence. VCF-style (leftmost placement, unchanged base first): chr5-64782035-TA-T. GRCh37 (hg19) VCF-style: chr5-64077862-TA-T.
Other names: c.252+4del (NM_001297644.1, NM_001364478.1, NM_001318000.2 and 1 more transcripts).
Identifiers: ClinVar variation 1063203 (VCV001063203.5), dbSNP rs1200215248, ClinGen allele CA813102414.

ClinVar aggregate classification (germline): Uncertain significance (1 of 4 stars; one submission).

Submission:

Labcorp Genetics (formerly Invitae), Labcorp
Classification: Uncertain significance. Last evaluated: 2022-03-18. Review status: criteria provided, single submitter. Criteria: Invitae Variant Classification Sherloc (09022015). Collection method: clinical testing. Allele origin: germline.
Comment: Variants that disrupt the consensus splice site are a relatively common cause of aberrant splicing (PMID: 17576681, 9536098). Algorithms developed to predict the effect of sequence changes on RNA splicing suggest that this variant may disrupt the consensus splice site. In summary, the available evidence is currently insufficient to determine the role of this variant in disease. Therefore, it has been classified as a Variant of Uncertain Significance. ClinVar contains an entry for this variant (Variation ID: 1063203). This variant has not been reported in the literature in individuals affected with CWC27-related conditions. This variant is not present in population databases (gnomAD no frequency). This sequence change falls in intron 3 of the CWC27 gene. It does not directly change the encoded amino acid sequence of the CWC27 protein. It affects a nucleotide within the consensus splice site.

Literature cited by the submitters: PubMed 17576681; PubMed 9536098.